The following is an entry in ClinVar:

ClinVar aggregate classification (germline): Likely benign. Review status: criteria provided, multiple submitters, no conflicts (2 of 4 stars). 2 submissions from 2 submitters: Likely benign (2). Last evaluated 2025-08-01.

Conditions:
Neurodevelopmental disorder with or without hyperkinetic movements and seizures, autosomal dominant. Also called: Intellectual disability, autosomal dominant 8. Identifiers: MedGen C3280282, MONDO:0013655, OMIM 614254.

Allele frequency attached by ClinVar (database versions not stated): gnomAD exomes 0.00001; TOPMed 0.00002.
gnomAD v4.1: 3 of 1,544,422 alleles (0.00019%); highest among the groups gnomAD compares: Non-Finnish European, 0.00017%; no homozygotes.

Submissions (2):

CeGaT Center for Human Genetics Tuebingen
Classification: Likely benign. Last evaluated: 2025-08-01. Review status: criteria provided, single submitter. Criteria: CeGaT Center For Human Genetics Tuebingen Variant Classification Criteria Version 2. Collection method: clinical testing. Allele origin: germline. Affected: yes. Observed: 1 variant allele.
Comment: GRIN1: BP4, BP7

Labcorp Genetics (formerly Invitae), Labcorp
Classification: Likely benign for Neurodevelopmental disorder with or without hyperkinetic movements and seizures, autosomal dominant. Last evaluated: 2025-03-31. Review status: criteria provided, single submitter. Criteria: Invitae Variant Classification Sherloc (09022015). Collection method: clinical testing. Allele origin: germline.

NM_007327.4(GRIN1):c.1671G>C (p.Pro557=)

Gene: GRIN1 (glutamate ionotropic receptor NMDA type subunit 1; plus strand). Cytogenetic location: 9q34.3.
Variant type: single nucleotide variant.
Coding change: c.1671G>C on transcript NM_007327.4 (MANE Select); coding-DNA position 1671, G replaced by C.
Protein change: p.Pro557=; no amino-acid change (proline 557 retained).
Molecular consequence: synonymous variant.
Genome position (GRCh38, 1-based): chr9:137,162,210, G>C. VCF-style: chr9-137162210-G-C. GRCh37 (hg19) VCF-style: chr9-140056662-G-C.
Other names: c.1671G>C, p.Pro557= (NM_000832.7, NM_021569.4); c.1734G>C, p.Pro578= (NM_001185090.2, NM_001185091.2).
Identifiers: ClinVar variation 751569 (VCV000751569.16), dbSNP rs1348812038, ClinGen allele CA467777333.